The following is an entry in ClinVar:

ClinVar aggregate classification (germline): Likely benign. Review status: criteria provided, multiple submitters, no conflicts (2 of 4 stars). 3 submissions from 3 submitters: Likely benign (3). Last evaluated 2024-06-10.

Conditions:
Catecholaminergic polymorphic ventricular tachycardia 1. Also called: VENTRICULAR TACHYCARDIA, STRESS-INDUCED POLYMORPHIC 1; VENTRICULAR TACHYCARDIA, CATECHOLAMINERGIC POLYMORPHIC, 1, WITH OR WITHOUT ATRIAL DYSFUNCTION AND/OR DILATED CARDIOMYOPATHY; RYR2-Related Catecholaminergic Polymorphic Ventricular Tachycardia. Identifiers: Orphanet 3286, MedGen C1631597, MONDO:0011484, OMIM 604772.
Catecholaminergic polymorphic ventricular tachycardia (CVPT). Also called: Catecholamine-induced polymorphic ventricular tachycardia. Identifiers: Orphanet 3286, MedGen C5574922, MONDO:0017990.

Allele frequency attached by ClinVar (database versions not stated): gnomAD exomes below 0.00001; ExAC 0.00001.
gnomAD v4.1: 1 of 1,611,734 alleles (0.000062%); highest among the groups gnomAD compares: African/African-American, 0.0013%; no homozygotes.

Submissions (3):

Labcorp Genetics (formerly Invitae), Labcorp
Classification: Likely benign for Catecholaminergic polymorphic ventricular tachycardia 1. Last evaluated: 2024-06-10. Review status: criteria provided, single submitter. Criteria: Invitae Variant Classification Sherloc (09022015). Collection method: clinical testing. Allele origin: germline.

All of Us Research Program, National Institutes of Health
Classification: Likely benign for Catecholaminergic polymorphic ventricular tachycardia. Last evaluated: 2023-11-20. Review status: criteria provided, single submitter. Criteria: ACMG Guidelines, 2015. Collection method: clinical testing. Allele origin: germline. Inheritance: Autosomal dominant inheritance. Observed: 1 variant allele, 1 heterozygote.
Comment: This study involves interpretation of variants in research participants for the purpose of population health screening. Participant phenotype was not available at the time of variant classification. Additional details can be found in publication PMID: 35346344, PMCID: PMC8962531

Laboratory for Molecular Medicine, Mass General Brigham Personalized Medicine
Classification: Likely benign. Last evaluated: 2012-12-06. Review status: criteria provided, single submitter. Criteria: LMM Criteria. Collection method: clinical testing. Allele origin: germline. Observed: 1 variant allele.
Comment: Leu3534Leu in exon 74 of RYR2: This variant is not expected to have clinical sig nificance because it does not alter an amino acid residue and is not located wit hin the splice consensus sequence. Leu3534Leu in exon 74 of RYR2 (allele frequ ency = n/a)

NM_001035.3(RYR2):c.10602A>G (p.Leu3534=)

Gene: RYR2 (ryanodine receptor 2; plus strand). Cytogenetic location: 1q43.
Variant type: single nucleotide variant.
Coding change: c.10602A>G on transcript NM_001035.3 (MANE Select); coding-DNA position 10602, A replaced by G.
Protein change: p.Leu3534=; no amino-acid change (leucine 3534 retained).
Molecular consequence: synonymous variant.
Genome position (GRCh38, 1-based): chr1:237,723,175, A>G. VCF-style: chr1-237723175-A-G. GRCh37 (hg19) VCF-style: chr1-237886475-A-G.
Identifiers: ClinVar variation 43700 (VCV000043700.8), dbSNP rs397516498, ClinGen allele CA006707.